The following is an entry in ClinVar:

NM_006361.6(HOXB13):c.602-20C>T

Gene: HOXB13 (homeobox B13; minus strand). Cytogenetic location: 17q21.32.
Variant type: single nucleotide variant.
Coding change: c.602-20C>T on transcript NM_006361.6 (MANE Select); 20 bases into the intron before coding-DNA position 602, C replaced by T.
Molecular consequence: intron variant.
Genome position (GRCh38, 1-based): chr17:48,727,063, G>A on the plus strand (C>T on the coding strand, the complement: HOXB13 is on the minus strand). VCF-style: chr17-48727063-G-A. GRCh37 (hg19) VCF-style: chr17-46804425-G-A.
Identifiers: ClinVar variation 1984137 (VCV001984137.5), dbSNP rs538974240, ClinGen allele CA291349376.

ClinVar aggregate classification (germline): Likely benign. Review status: criteria provided, multiple submitters, no conflicts (2 of 4 stars). 2 submissions from 2 submitters: Likely benign (2). Last evaluated 2025-10-09.

Conditions:
Prostate cancer, hereditary, 9 (HPC9). Identifiers: Orphanet 1331, MedGen C1970250, MONDO:0012597, OMIM 610997.

Submissions (2):

Labcorp Genetics (formerly Invitae), Labcorp
Classification: Likely benign. Last evaluated: 2025-10-09. Review status: criteria provided, single submitter. Criteria: Invitae Variant Classification Sherloc (09022015). Collection method: clinical testing. Allele origin: germline.

Myriad Genetics, Inc.
Classification: Likely benign for Prostate cancer, hereditary, 9. Last evaluated: 2024-10-30. Review status: criteria provided, single submitter. Criteria: Myriad Autosomal Dominant, Autosomal Recessive and X-Linked Classification Criteria (2023). Collection method: clinical testing. Allele origin: unknown.
Comment: This variant is considered likely benign. This variant is intronic and is not expected to impact mRNA splicing.